The following is an entry in ClinVar:

ClinVar aggregate classification (germline): Likely benign (1 of 4 stars; one submission).

Allele frequency attached by ClinVar (database versions not stated): 1000 Genomes Project 0.00300; 1000 Genomes Project 30x 0.00312; ExAC 0.00429.
gnomAD v4.1: 4,540 of 702,950 alleles (0.65%); highest among the groups gnomAD compares: Non-Finnish European, 0.9%; 26 homozygotes.

Submission:

CeGaT Center for Human Genetics Tuebingen
Classification: Likely benign. Last evaluated: 2023-02-01. Review status: criteria provided, single submitter. Criteria: CeGaT Center For Human Genetics Tuebingen Variant Classification Criteria Version 2. Collection method: clinical testing. Allele origin: germline. Affected: yes. Observed: 2 variant alleles.
Comment: CHTF8: BS2; DERPC: BP4, BS2

NM_001002847.4(DERPC):c.1189A>C (p.Thr397Pro)

Genes: CHTF8 (chromosome transmission fidelity factor 8; minus strand), DERPC (DERPC proline and glycine rich nuclear protein; minus strand). Cytogenetic location: 16q22.1.
Variant type: single nucleotide variant.
Coding change: c.1189A>C on transcript NM_001002847.4 (MANE Select); coding-DNA position 1189, A replaced by C.
Protein change: p.Thr397Pro; replaces threonine 397 with proline.
Molecular consequence: missense variant. On other transcripts: 3 prime UTR variant (2), intron variant (3).
Genome position (GRCh38, 1-based): chr16:69,119,240, T>G on the plus strand (A>C on the coding strand, the complement: DERPC is on the minus strand). VCF-style: chr16-69119240-T-G. GRCh37 (hg19) VCF-style: chr16-69153143-T-G.
Other names: c.1189A>C, p.Thr397Pro (NM_001040144.3, NM_001366603.2, NM_001366604.2); c.*1185A>C (NM_001039690.5, NM_001040146.5); c.323-715A>C (NM_001366606.2, NM_001366602.2, NM_001366605.2); short protein forms T397P.
Identifiers: ClinVar variation 2646666 (VCV002646666.24), dbSNP rs143561296, ClinGen allele CA8131628.